The following is an entry in ClinVar:

ClinVar aggregate classification (germline): Uncertain significance. Review status: criteria provided, multiple submitters, no conflicts (2 of 4 stars). 3 submissions from 3 submitters: Uncertain significance (3). Last evaluated 2024-07-11.

Conditions:
Hereditary cancer-predisposing syndrome. Also called: Hereditary neoplastic syndrome; Neoplastic Syndromes, Hereditary; Tumor predisposition; Hereditary Cancer Syndrome. Identifiers: Orphanet 140162, MedGen C0027672, MeSH D009386, MONDO:0015356.
Fanconi anemia complementation group J. Also called: BRIP1-Related Fanconi Anemia. Identifiers: Orphanet 84, MedGen C1836860, MONDO:0012187, OMIM 609054.
Familial cancer of breast. Also called: BREAST CANCER, FAMILIAL; Hereditary breast cancer; hereditary breast carcinoma. Identifiers: Orphanet 227535, MedGen C0346153, MONDO:0016419, OMIM 114480. Disease mechanism: loss of function.

Submissions (3):

Labcorp Genetics (formerly Invitae), Labcorp
Classification: Uncertain significance for Familial cancer of breast; Fanconi anemia complementation group J. Last evaluated: 2024-07-11. Review status: criteria provided, single submitter. Criteria: Invitae Variant Classification Sherloc (09022015). Collection method: clinical testing. Allele origin: germline.
Comment: This sequence change replaces isoleucine, which is neutral and non-polar, with threonine, which is neutral and polar, at codon 603 of the BRIP1 protein (p.Ile603Thr). This variant is not present in population databases (gnomAD no frequency). This variant has not been reported in the literature in individuals affected with BRIP1-related conditions. ClinVar contains an entry for this variant (Variation ID: 483170). Advanced modeling of protein sequence and biophysical properties (such as structural, functional, and spatial information, amino acid conservation, physicochemical variation, residue mobility, and thermodynamic stability) performed at Invitae indicates that this missense variant is not expected to disrupt BRIP1 protein function with a negative predictive value of 80%. In summary, the available evidence is currently insufficient to determine the role of this variant in disease. Therefore, it has been classified as a Variant of Uncertain Significance.

Ambry Genetics
Classification: Uncertain significance for Hereditary cancer-predisposing syndrome. Last evaluated: 2023-11-19. Review status: criteria provided, single submitter. Criteria: Ambry Variant Classification Scheme 2023. Collection method: clinical testing. Allele origin: germline.
Comment: The p.I603T variant (also known as c.1808T>C), located in coding exon 12 of the BRIP1 gene, results from a T to C substitution at nucleotide position 1808. The isoleucine at codon 603 is replaced by threonine, an amino acid with similar properties. This amino acid position is not well conserved in available vertebrate species. In addition, the in silico prediction for this alteration is inconclusive. Since supporting evidence is limited at this time, the clinical significance of this alteration remains unclear.

Women's Health and Genetics/Laboratory Corporation of America, LabCorp
Classification: Uncertain significance. Last evaluated: 2018-10-01. Review status: criteria provided, single submitter. Criteria: LabCorp Variant Classification Summary - May 2015. Collection method: clinical testing. Allele origin: germline.
Comment: Variant summary: BRIP1 c.1808T>C (p.Ile603Thr) results in a non-conservative amino acid change in the encoded protein sequence. Four of five in-silico tools predict a damaging effect of the variant on protein function. The variant was absent in 246234 control chromosomes. The available data on variant occurrences in the general population are insufficient to allow any conclusion about variant significance. To our knowledge, no occurrence of c.1808T>C in individuals affected with Hereditary Breast and Ovarian Cancer and no experimental evidence demonstrating its impact on protein function have been reported. One clinical diagnostic laboratory has submitted clinical-significance assessments for this variant to ClinVar after 2014 without evidence for independent evaluation and classified the variant as uncertain significance. Based on the evidence outlined above, the variant was classified as uncertain significance.

NM_032043.3(BRIP1):c.1808T>C (p.Ile603Thr)

Gene: BRIP1 (BRCA1 interacting DNA helicase 1; minus strand). Cytogenetic location: 17q23.2.
Variant type: single nucleotide variant.
Coding change: c.1808T>C on transcript NM_032043.3 (MANE Select); coding-DNA position 1808, T replaced by C.
Protein change: p.Ile603Thr; replaces isoleucine 603 with threonine.
Molecular consequence: missense variant.
Genome position (GRCh38, 1-based): chr17:61,780,388, A>G on the plus strand (T>C on the coding strand, the complement: BRIP1 is on the minus strand). VCF-style: chr17-61780388-A-G. GRCh37 (hg19) VCF-style: chr17-59857749-A-G.
Other names: short protein forms I603T.
Identifiers: ClinVar variation 483170 (VCV000483170.17), dbSNP rs1555602215, ClinGen allele CA400480205.
Genomic context (GRCh38, chr17:61,780,388, plus strand): 5'-AAGGATTTCATTGGTGATAATGTACCAGATGTCAAAACAATGGTCTGAACTTTGCCATTA[A>G]TATCTGAAAAGGCCTAAAAGAAAACAACATTAGATAAATAAAATTATCTTTAGAAGAGGC-3'
Protein context (NP_114432.2, residues 593-613): CLNPAVAFSD[Ile603Thr]NGKVQTIVLT